The following is an entry in ClinVar:

ClinVar aggregate classification (germline): Uncertain significance (1 of 4 stars; one submission).

Conditions:
Chédiak-Higashi syndrome (CHS). Also called: Chediak-Higashi Syndrome. Identifiers: Orphanet 167, MedGen C0007965, MONDO:0008963, OMIM 214500.

Allele frequency attached by ClinVar (database versions not stated): ExAC 0.00001; gnomAD 0.00001; gnomAD exomes 0.00001; TOPMed 0.00002.
gnomAD v4.1: 16 of 1,613,172 alleles (0.00099%); highest among the groups gnomAD compares: East Asian, 0.031%; no homozygotes.

Submission:

Labcorp Genetics (formerly Invitae), Labcorp
Classification: Uncertain significance for Chédiak-Higashi syndrome. Last evaluated: 2022-09-06. Review status: criteria provided, single submitter. Criteria: Invitae Variant Classification Sherloc (09022015). Collection method: clinical testing. Allele origin: germline.
Comment: This sequence change falls in intron 13 of the LYST gene. It does not directly change the encoded amino acid sequence of the LYST protein. It affects a nucleotide within the consensus splice site. This variant is present in population databases (rs777713646, gnomAD 0.01%). This variant has not been reported in the literature in individuals affected with LYST-related conditions. ClinVar contains an entry for this variant (Variation ID: 578437). Variants that disrupt the consensus splice site are a relatively common cause of aberrant splicing (PMID: 17576681, 9536098). Algorithms developed to predict the effect of sequence changes on RNA splicing suggest that this variant is not likely to affect RNA splicing. In summary, the available evidence is currently insufficient to determine the role of this variant in disease. Therefore, it has been classified as a Variant of Uncertain Significance.

Literature cited by the submitters: PubMed 17576681; PubMed 9536098.

NM_000081.4(LYST):c.4688+6G>A

Gene: LYST (lysosomal trafficking regulator; minus strand). Cytogenetic location: 1q42.3.
Variant type: single nucleotide variant.
Coding change: c.4688+6G>A on transcript NM_000081.4 (MANE Select); 6 bases into the intron after coding-DNA position 4688, G replaced by A.
Molecular consequence: intron variant.
Genome position (GRCh38, 1-based): chr1:235,788,695, C>T on the plus strand (G>A on the coding strand, the complement: LYST is on the minus strand). VCF-style: chr1-235788695-C-T. GRCh37 (hg19) VCF-style: chr1-235951995-C-T.
Other names: c.4688+6G>A (NM_001301365.1).
Identifiers: ClinVar variation 578437 (VCV000578437.6), dbSNP rs777713646, ClinGen allele CA1466783.
Genomic context (GRCh38, chr1:235,788,695, plus strand): 5'-TAATGTCTCTTACACAAATTATTTAAATACATTATCTATTCATGGGAGGCTGAGGATAAT[C>T]AATACCGAAAGATAAGAGTGGCATTGTGGGGATCAGCCCACACTTGGATCATCAACGCTT-3'